The following is an entry in ClinVar:

ClinVar aggregate classification (germline): Uncertain significance (1 of 4 stars; one submission).

Conditions:
Inborn genetic diseases. Identifiers: MedGen C0950123, MeSH D030342.

Submission:

Ambry Genetics
Classification: Uncertain significance for Inborn genetic diseases. Last evaluated: 2026-07-07. Review status: criteria provided, single submitter. Criteria: Ambry Variant Classification Scheme 2023. Collection method: clinical testing. Allele origin: germline.
Comment: The p.I318M variant (also known as c.954C>G), located in coding exon 5 of the ETV6 gene, results from a C to G substitution at nucleotide position 954. The isoleucine at codon 318 is replaced by methionine, an amino acid with highly similar properties. This amino acid position is conserved. In addition, this alteration is predicted to be tolerated by in silico analysis. Based on the available evidence, the clinical significance of this variant remains unclear.

NM_001987.5(ETV6):c.954C>G (p.Ile318Met)

Gene: ETV6 (ETS variant transcription factor 6; plus strand). Cytogenetic location: 12p13.2.
Variant type: single nucleotide variant.
Coding change: c.954C>G on transcript NM_001987.5 (MANE Select); coding-DNA position 954, C replaced by G.
Protein change: p.Ile318Met; replaces isoleucine 318 with methionine.
Molecular consequence: missense variant.
Genome position (GRCh38, 1-based): chr12:11,869,914, C>G. VCF-style: chr12-11869914-C-G. GRCh37 (hg19) VCF-style: chr12-12022848-C-G.
Other names: c.951C>G, p.Ile317Met (NM_001413913.1); c.927C>G, p.Ile309Met (NM_001413914.1); c.690C>G, p.Ile230Met (NM_001413915.1); c.954C>G, p.Ile318Met (NM_001413916.1, NM_001413917.1); short protein forms I309M, I318M, I230M, I317M.
Identifiers: ClinVar variation 5036200 (VCV005036200.1).
Genomic context (GRCh38, chr12:11,869,914, plus strand): 5'-TAGGGAAGGGAAGCCCATCAACCTCTCTCATCGGGAAGACCTGGCTTACATGAACCACAT[C>G]ATGGTCTCTGTCTCCCCGCCTGAAGAGCACGCCATGCCCATTGGGAGAATAGCAGGTGAG-3'
Protein context (NP_001978.1, residues 308-328): HREDLAYMNH[Ile318Met]MVSVSPPEEH